The following is an entry in ClinVar:

ClinVar aggregate classification (germline): Pathogenic/Likely pathogenic. Review status: criteria provided, multiple submitters, no conflicts (2 of 4 stars). 2 submissions from 2 submitters: Pathogenic (1); Likely pathogenic (1). Last evaluated 2025-07-31.

Conditions:
Familial adenomatous polyposis 1 (FAP1). Also called: FAMILIAL ADENOMATOUS POLYPOSIS 1, ATTENUATED; POLYPOSIS, ADENOMATOUS INTESTINAL. Identifiers: MedGen C2713442, MONDO:0021056, OMIM 175100. Disease mechanism: loss of function.
Hereditary cancer-predisposing syndrome. Also called: Hereditary Cancer Syndrome; Tumor predisposition; Neoplastic Syndromes, Hereditary; Hereditary neoplastic syndrome. Identifiers: Orphanet 140162, MedGen C0027672, MeSH D009386, MONDO:0015356.

Submissions (2):

Labcorp Genetics (formerly Invitae), Labcorp
Classification: Pathogenic for Familial adenomatous polyposis 1. Last evaluated: 2025-07-31. Review status: criteria provided, single submitter. Criteria: Invitae Variant Classification Sherloc (09022015). Collection method: clinical testing. Allele origin: germline.
Comment: This sequence change creates a premature translational stop signal (p.Gln1996Glyfs*5) in the APC gene. While this is not anticipated to result in nonsense mediated decay, it is expected to disrupt the last 848 amino acid(s) of the APC protein. This variant is not present in population databases (gnomAD no frequency). This variant has not been reported in the literature in individuals affected with APC-related conditions. A different truncation (p.Tyr2645Lysfs*14) that lies downstream of this variant has been determined to be pathogenic (PMID: 9824584, 1316610, 27081525, 8381579, 22135120, internal data). This suggests that deletion of this region of the APC protein is causative of disease. This variant is expected to disrupt the EB1 and HDLG binding sites, which mediate interactions with the cytoskeleton (PMID: 15311282, 17293347). While functional studies have not been performed to directly test the effect on APC protein function, this suggests that disruption of the C-terminal portion of the protein is functionally important. A different truncation (p.Tyr2645Lysfs*14) that lies downstream of this variant has been determined to be pathogenic (PMID: 9824584, 1316610, 27081525, 8381579, 22135120, internal data). This suggests that deletion of this region of the APC protein is causative of disease. For these reasons, this variant has been classified as Pathogenic.

Ambry Genetics
Classification: Likely pathogenic for Hereditary cancer-predisposing syndrome. Last evaluated: 2025-06-05. Review status: criteria provided, single submitter. Criteria: Ambry Variant Classification Scheme 2023. Collection method: clinical testing. Allele origin: germline.
Comment: The c.5986_5987delCA variant, located in coding exon 15 of the APC gene, results from a deletion of two nucleotides at nucleotide positions 5986 to 5987, causing a translational frameshift with a predicted alternate stop codon (p.Q1996Gfs*5). This alteration occurs at the 3' terminus of theAPC gene, is not expected to trigger nonsense-mediated mRNA decay, and impacts the last 29.8% of the protein. However, premature stop codons are typically deleterious in nature, a significant portion of the protein is affected, and the impacted region is critical for protein function (Ambry internal data). This variant is considered to be rare based on population cohorts in the Genome Aggregation Database (gnomAD). Based on the majority of available evidence to date, this variant is likely to be pathogenic.

Literature cited by the submitters: PubMed 9824584 (cited by Labcorp Genetics (formerly Invitae), Labcorp); PubMed 1316610 (cited by Labcorp Genetics (formerly Invitae), Labcorp); PubMed 27081525 (cited by Labcorp Genetics (formerly Invitae), Labcorp); PubMed 8381579 (cited by Labcorp Genetics (formerly Invitae), Labcorp); PubMed 22135120 (cited by Labcorp Genetics (formerly Invitae), Labcorp); PubMed 15311282 (cited by Labcorp Genetics (formerly Invitae), Labcorp); PubMed 17293347 (cited by Labcorp Genetics (formerly Invitae), Labcorp).

NM_000038.6(APC):c.5986_5987del (p.Gln1996fs)

Gene: APC (APC regulator of Wnt signaling pathway; plus strand). Cytogenetic location: 5q22.2.
Variant type: Microsatellite.
Coding change: c.5986_5987del on transcript NM_000038.6 (MANE Select); coding-DNA positions 5986 to 5987, 2 bases deleted (CA; older notation c.5986_5987delCA).
Protein change: p.Gln1996fs; shifts the reading frame from glutamine 1996.
Molecular consequence: frameshift variant. On other transcripts: non-coding transcript variant (2).
Genome position (GRCh38, 1-based): chr5:112,841,580-112,841,581, CA deleted; deleting any 2 consecutive bases within chr5:112,841,578-112,841,581 gives the same sequence; the c. name uses the placement nearest the transcript's 3' end. VCF-style (leftmost placement, unchanged base first): chr5-112841577-TCA-T. GRCh37 (hg19) VCF-style: chr5-112177274-TCA-T.
Other names: c.5986_5987delCA (NM_000038.5); c.5737_5738del, p.Gln1913fs (NM_001407456.1, NM_001407457.1, NM_001407455.1 and 1 more transcripts); c.5683_5684del, p.Gln1895fs (NM_001407458.1, NM_001407459.1, NM_001407460.1 and 1 more transcripts); c.5599_5600del, p.Gln1867fs (NM_001407467.1, NM_001407469.1); c.5137_5138del, p.Gln1713fs (NM_001407470.1, NM_001354906.2); c.4834_4835del, p.Gln1612fs (NM_001407471.1, NM_001407472.1); c.5986_5987del, p.Gln1996fs (NM_001127510.3, NM_001354895.2, NM_001407450.1); c.5932_5933del, p.Gln1978fs (NM_001127511.3); and 12 more; short protein forms Q1867fs, Q1870fs, Q1913fs, Q1968fs, Q1996fs, Q2024fs, Q1713fs, Q1895fs.
Identifiers: ClinVar variation 2732527 (VCV002732527.4), dbSNP rs2533682748, ClinGen allele CA2697546375.